The following is an entry in ClinVar:

NM_001130144.3(LTBP3):c.2725+6T>C

Gene: LTBP3 (latent transforming growth factor beta binding protein 3; minus strand). Cytogenetic location: 11q13.1.
Variant type: single nucleotide variant.
Coding change: c.2725+6T>C on transcript NM_001130144.3 (MANE Select); 6 bases into the intron after coding-DNA position 2725, T replaced by C.
Molecular consequence: intron variant.
Genome position (GRCh38, 1-based): chr11:65,541,594, A>G on the plus strand (T>C on the coding strand, the complement: LTBP3 is on the minus strand). VCF-style: chr11-65541594-A-G. GRCh37 (hg19) VCF-style: chr11-65309065-A-G.
Other names: c.2374+6T>C (NM_001164266.1); c.2725+6T>C (NM_021070.4).
Identifiers: ClinVar variation 2021848 (VCV002021848.4), dbSNP rs2496132122, ClinGen allele CA2580084537.
Genomic context (GRCh38, chr11:65,541,594, plus strand): 5'-CTCTGAATCCCAGCTGCAGCTCAGGGGAGTTGTCCAGTCCGAGGGAGGAGCTGGGAGGAC[A>G]CTCACCCTCACAACCGTGCTGGTCCTGGGTGGGAGTGAAGCCCTCATCGCAGACACACAC-3'

ClinVar aggregate classification (germline): Uncertain significance (1 of 4 stars; one submission).

Conditions:
Brachyolmia-amelogenesis imperfecta syndrome. Also called: PLATYSPONDYLY WITH AMELOGENESIS IMPERFECTA; Tooth agenesis, selective, 6; Dental anomalies and short stature. Identifiers: Orphanet 2899, MedGen C1832594, MONDO:0011018, OMIM 601216. Disease mechanism: loss of function.

Submission:

Labcorp Genetics (formerly Invitae), Labcorp
Classification: Uncertain significance for Brachyolmia-amelogenesis imperfecta syndrome. Last evaluated: 2022-10-07. Review status: criteria provided, single submitter. Criteria: Invitae Variant Classification Sherloc (09022015). Collection method: clinical testing. Allele origin: germline.
Comment: This variant is not present in population databases (gnomAD no frequency). This variant has not been reported in the literature in individuals affected with LTBP3-related conditions. Variants that disrupt the consensus splice site are a relatively common cause of aberrant splicing (PMID: 17576681, 9536098). Algorithms developed to predict the effect of sequence changes on RNA splicing suggest that this variant is not likely to affect RNA splicing. In summary, the available evidence is currently insufficient to determine the role of this variant in disease. Therefore, it has been classified as a Variant of Uncertain Significance. This sequence change falls in intron 19 of the LTBP3 gene. It does not directly change the encoded amino acid sequence of the LTBP3 protein. It affects a nucleotide within the consensus splice site.

Literature cited by the submitters: PubMed 17576681; PubMed 9536098.